The following is an entry in ClinVar:

ClinVar aggregate classification (germline): Uncertain significance (1 of 4 stars; one submission).

Allele frequency attached by ClinVar (database versions not stated): gnomAD below 0.00001 and 0.00001; gnomAD exomes below 0.00001 and 0.00001; ExAC 0.00001.
gnomAD v4.1: 8 of 1,608,118 alleles (0.0005%); highest among the groups gnomAD compares: South Asian, 0.0022%; no homozygotes.

Submission:

Labcorp Genetics (formerly Invitae), Labcorp
Classification: Uncertain significance. Last evaluated: 2025-07-16. Review status: criteria provided, single submitter. Criteria: Invitae Variant Classification Sherloc (09022015). Collection method: clinical testing. Allele origin: germline.
Comment: This sequence change replaces arginine, which is basic and polar, with glutamine, which is neutral and polar, at codon 1475 of the LRP5 protein (p.Arg1475Gln). The frequency data for this variant in the population databases is considered unreliable, as metrics indicate poor data quality at this position in the gnomAD database. This variant has not been reported in the literature in individuals affected with LRP5-related conditions. ClinVar contains an entry for this variant (Variation ID: 956879). Invitae Evidence Modeling of protein sequence and biophysical properties (such as structural, functional, and spatial information, amino acid conservation, physicochemical variation, residue mobility, and thermodynamic stability) indicates that this missense variant is not expected to disrupt LRP5 protein function with a negative predictive value of 95%. In summary, the available evidence is currently insufficient to determine the role of this variant in disease. Therefore, it has been classified as a Variant of Uncertain Significance.

NM_002335.4(LRP5):c.4424G>A (p.Arg1475Gln)

Gene: LRP5 (LDL receptor related protein 5; plus strand). Cytogenetic location: 11q13.2.
Variant type: single nucleotide variant.
Coding change: c.4424G>A on transcript NM_002335.4 (MANE Select); coding-DNA position 4424, G replaced by A.
Protein change: p.Arg1475Gln; replaces arginine 1475 with glutamine.
Molecular consequence: missense variant.
Genome position (GRCh38, 1-based): chr11:68,439,852, G>A. VCF-style: chr11-68439852-G-A. GRCh37 (hg19) VCF-style: chr11-68207320-G-A.
Other names: c.2681G>A, p.Arg894Gln (NM_001291902.2); short protein forms R894Q, R1475Q.
Identifiers: ClinVar variation 956879 (VCV000956879.9), dbSNP rs755077399, ClinGen allele CA6150356.